The following is an entry in ClinVar:

NM_000238.4(KCNH2):c.3428G>A (p.Gly1143Glu)

Gene: KCNH2 (potassium voltage-gated channel subfamily H member 2; minus strand). Cytogenetic location: 7q36.1.
Variant type: single nucleotide variant.
Coding change: c.3428G>A on transcript NM_000238.4 (MANE Select); coding-DNA position 3428, G replaced by A.
Protein change: p.Gly1143Glu; replaces glycine 1143 with glutamic acid.
Molecular consequence: missense variant. On other transcripts: non-coding transcript variant (2).
Genome position (GRCh38, 1-based): chr7:150,945,417, C>T on the plus strand (G>A on the coding strand, the complement: KCNH2 is on the minus strand). VCF-style: chr7-150945417-C-T. GRCh37 (hg19) VCF-style: chr7-150642505-C-T.
Other names: c.3140G>A, p.Gly1047Glu (NM_001406753.1); c.2408G>A, p.Gly803Glu (NM_172057.3); short protein forms G1143E, G1047E, G803E.
Identifiers: ClinVar variation 5022970 (VCV005022970.1).

ClinVar aggregate classification (germline): Uncertain significance (1 of 4 stars; one submission).

Conditions:
Cardiovascular phenotype. Identifiers: MedGen CN230736.

Submission:

Ambry Genetics
Classification: Uncertain significance for Cardiovascular phenotype. Last evaluated: 2026-06-15. Review status: criteria provided, single submitter. Criteria: Ambry Variant Classification Scheme 2023. Collection method: clinical testing. Allele origin: germline.
Comment: The p.G1143E variant (also known as c.3428G>A), located in coding exon 15 of the KCNH2 gene, results from a G to A substitution at nucleotide position 3428. The glycine at codon 1143 is replaced by glutamic acid, an amino acid with similar properties. This amino acid position is conserved. In addition, this alteration is predicted to be deleterious by in silico analysis. Based on the available evidence, the clinical significance of this variant remains unclear.